The following is an entry in ClinVar:

NM_001040142.2(SCN2A):c.707C>T (p.Thr236Ile)

Gene: SCN2A (sodium voltage-gated channel alpha subunit 2; plus strand). Cytogenetic location: 2q24.3.
Variant type: single nucleotide variant.
Coding change: c.707C>T on transcript NM_001040142.2 (MANE Select); coding-DNA position 707, C replaced by T.
Protein change: p.Thr236Ile; replaces threonine 236 with isoleucine.
Molecular consequence: missense variant.
Genome position (GRCh38, 1-based): chr2:165,310,332, C>T. VCF-style: chr2-165310332-C-T. GRCh37 (hg19) VCF-style: chr2-166166842-C-T.
Other names: c.707C>T, p.Thr236Ile (NM_021007.3, NM_001040143.2, NM_001371246.1 and 1 more transcripts); short protein forms T236I.
Identifiers: ClinVar variation 4160599 (VCV004160599.2).

ClinVar aggregate classification (germline): Uncertain significance (1 of 4 stars; one submission).

Conditions:
Inborn genetic diseases. Identifiers: MedGen C0950123, MeSH D030342.

Submission:

Ambry Genetics
Classification: Uncertain significance for Inborn genetic diseases. Last evaluated: 2025-10-16. Review status: criteria provided, single submitter. Criteria: Ambry Variant Classification Scheme 2023. Collection method: clinical testing. Allele origin: germline.
Comment: The c.707C>T (p.T236I) alteration is located in exon 7 (coding exon 6) of the SCN2A gene. This alteration results from a C to T substitution at nucleotide position 707, causing the threonine (T) at amino acid position 236 to be replaced by an isoleucine (I). This variant was not reported in population-based cohorts in the Genome Aggregation Database (gnomAD). Other variant(s) at the same codon, c.707C>G (p.T236I) have been identified in individual(s) with features consistent with SCN2A-related disorder (Nakamura, 2013; Zeng, 2022). Added Literature: Nakamura K, et al. (2013) 81(11):992-8. PMID: 23935176 This amino acid position is highly conserved in available vertebrate species. This missense alteration is located in a region that has a low rate of benign missense variation (Lek, 2016; Firth, 2009). This alteration is predicted to be deleterious by in silico analysis. Based on insufficient or conflicting evidence, the clinical significance of this alteration remains unclear.